The following is an entry in ClinVar:

NM_000083.3(CLCN1):c.1238T>G (p.Phe413Cys)

Gene: CLCN1 (chloride voltage-gated channel 1; plus strand). Cytogenetic location: 7q34.
Variant type: single nucleotide variant.
Coding change: c.1238T>G on transcript NM_000083.3 (MANE Select); coding-DNA position 1238, T replaced by G.
Protein change: p.Phe413Cys; replaces phenylalanine 413 with cysteine.
Molecular consequence: missense variant. On other transcripts: non-coding transcript variant (1).
Genome position (GRCh38, 1-based): chr7:143,332,490, T>G. VCF-style: chr7-143332490-T-G. GRCh37 (hg19) VCF-style: chr7-143029583-T-G.
Other names: short protein forms F413C.
Identifiers: ClinVar variation 17531 (VCV000017531.80), dbSNP rs121912799, ClinGen allele CA258010.

ClinVar aggregate classification (germline): Pathogenic/Likely pathogenic. Review status: criteria provided, multiple submitters, no conflicts (2 of 4 stars). 20 submissions from 20 submitters: Pathogenic (16); Likely pathogenic (1). 3 of the submissions do not count toward it. Last evaluated 2026-01-25.

Conditions:
Skeletal muscle channelopathy.
CLCN1-related disorder. Also called: CLCN1-related condition.
Congenital myotonia, autosomal recessive form. Also called: myotonia congenita, autosomal recessive; BECKER DISEASE; Becker Generalized Myotonia. Identifiers: Orphanet 614, MedGen C0751360, MONDO:0009715, OMIM 255700.
Congenital myotonia, autosomal dominant form (THD). Also called: Myotonia congenita autosomal dominant; THOMSEN DISEASE. Identifiers: Orphanet 614, MedGen C2936781, MONDO:0008055, OMIM 160800.
Tip-toe gait. Also called: Toe walking. Identifiers: MedGen C0427144, HP:0030051.

Allele frequency attached by ClinVar (database versions not stated): gnomAD 0.00028 and 0.00025; ExAC 0.00032; gnomAD exomes 0.00037; TOPMed 0.00011.
gnomAD v4.1: 425 of 1,613,758 alleles (0.026%); highest among the groups gnomAD compares: Non-Finnish European, 0.02%; 1 homozygote.

Submissions 1 to 12 of 20:

Labcorp Genetics (formerly Invitae), Labcorp
Classification: Pathogenic for Congenital myotonia, autosomal recessive form; Congenital myotonia, autosomal dominant form. Last evaluated: 2026-01-25. Review status: criteria provided, single submitter. Criteria: Invitae Variant Classification Sherloc (09022015). Collection method: clinical testing. Allele origin: germline.
Comment: This sequence change replaces phenylalanine, which is neutral and non-polar, with cysteine, which is neutral and slightly polar, at codon 413 of the CLCN1 protein (p.Phe413Cys). This variant is present in population databases (rs121912799, gnomAD 0.2%). This missense change has been observed in individuals with autosomal recessive myotonia congenita (PMID: 1379744, 8533761, 11840191, 18337730, 23739125). It has also been observed to segregate with disease in related individuals. ClinVar contains an entry for this variant (Variation ID: 17531). Invitae Evidence Modeling of protein sequence and biophysical properties (such as structural, functional, and spatial information, amino acid conservation, physicochemical variation, residue mobility, and thermodynamic stability) indicates that this missense variant is expected to disrupt CLCN1 protein function with a positive predictive value of 95%. Experimental studies have shown that this missense change affects CLCN1 function (PMID: 10690989, 17990293). For these reasons, this variant has been classified as Pathogenic.

Genetics Laboratory, Great Ormond Street Hospital NHS Foundation Trust, North Thames Genomic Laboratory Hub
Classification: Pathogenic for Skeletal muscle channelopathy. Last evaluated: 2025-12-20. Review status: criteria provided, single submitter. Criteria: ACGS Best Practice Guidelines for Variant Classification in Rare Disease 2024 v1.2. Collection method: clinical testing. Allele origin: germline. Affected: yes.
Comment: PP3_supporting, PS3_strong, PP1_strong, PM3_very-strong

Athena Diagnostics
Classification: Pathogenic. Last evaluated: 2025-07-18. Review status: criteria provided, single submitter. Criteria: Athena Diagnostics Criteria. Collection method: clinical testing. Allele origin: unknown.
Comment: The frequency of this variant in the general population is consistent with pathogenicity. This variant is mostly seen in autosomal recessive myotonia congenita, however, it has also been reported in individuals with possible autosomal dominant myotonia congenita (PMID: 11840191, 17932099, 18807109, 21204798). Assessment of experimental evidence suggests this variant results in abnormal protein function. (PMID: 17990293, 10690989) In multiple individuals, this variant has been seen with a single recessive pathogenic variant in the same gene, suggesting this variant may also be pathogenic. Polyphen and MutationTaster predict this amino acid change may be damaging to the protein.

GeneDx
Classification: Pathogenic. Last evaluated: 2025-07-03. Review status: criteria provided, single submitter. Criteria: GeneDx Variant Classification Process June 2021. Collection method: clinical testing. Allele origin: germline. Affected: yes.
Comment: Observed multiple times with a pathogenic variant in unrelated patients with CLCN1-related myotonia congenita referred for genetic testing at GeneDx and in published literature, but it is not known whether the variants occurred on the same (in cis) or on different (in trans) alleles in some cases (PMID: 32670189, 8533761, 11840191); Observed in homozygous state or with no identifiable second variant in patients with CLCN1-related myotonia congenita in published literature and not observed in homozygous state in controls (PMID: 1379744, 11840191); Published functional studies suggest F413C results in reduced transport of the CLCN1 protein out of the endoplasmic reticulum (PMID: 17990293); In silico analysis supports that this missense variant has a deleterious effect on protein structure/function; This variant is associated with the following publications: (PMID: 1379744, 38758368, 29790872, 23739125, 10690989, 7981750, 8301644, 9040760, 7951242, 11840191, 31589614, 12390967, 33263785, 18807109, 17932099, 34790634, 18337730, 34758253, 34529042, 17990293, 8533761, 36796140, 37355912, 38270354, 36978159, 38055022, 32670189, 21204798)

Revvity Omics, Revvity
Classification: Pathogenic. Last evaluated: 2025-02-24. Review status: criteria provided, single submitter. Criteria: ACMG Guidelines, 2015. Collection method: clinical testing. Allele origin: germline.

Blueprint Genetics
Classification: Pathogenic for CLCN1-related disorders. Last evaluated: 2024-11-19. Review status: criteria provided, single submitter. Criteria: ACMG Guidelines, 2015. Collection method: clinical testing. Allele origin: germline. Affected: yes. Observed: 5 variant alleles.

Women's Health and Genetics/Laboratory Corporation of America, LabCorp
Classification: Pathogenic for Congenital myotonia, autosomal recessive form. Last evaluated: 2024-07-02. Review status: criteria provided, single submitter. Criteria: LabCorp Variant Classification Summary - May 2015. Collection method: clinical testing. Allele origin: germline.
Comment: Variant summary: CLCN1 c.1238T>G (p.Phe413Cys) results in a non-conservative amino acid change in the encoded protein sequence. Five of five in-silico tools predict a damaging effect of the variant on protein function. The variant allele was found at a frequency of 0.00037 in 251472 control chromosomes (gnomAD). This frequency is not significantly higher than estimated for a pathogenic variant in CLCN1 causing Congenital Myotonia, Autosomal Recessive Form, allowing no conclusion about variant significance. The variant c.1238T>G has been reported in the literature in multiple homozygous and compound heterozygous individuals affected with Congenital Myotonia, Autosomal Recessive Form (e.g. Meyer-Kleine_1995, Periviita_2024). These data indicate that the variant is very likely to be associated with disease. A publication reported experimental evidence evaluating an impact on protein function, and demonstrated that the variant resulted in retention of the protein product in the endoplasmic reticulum (Papponen_2008). The following publications have been ascertained in the context of this evaluation (PMID: 8533761, 38055022, 17990293). ClinVar contains an entry for this variant (Variation ID: 17531). Based on the evidence outlined above, the variant was classified as pathogenic.

Fulgent Genetics
Classification: Pathogenic for Congenital myotonia, autosomal dominant form; Congenital myotonia, autosomal recessive form. Last evaluated: 2024-03-23. Review status: criteria provided, single submitter. Criteria: ACMG Guidelines, 2015. Collection method: clinical testing. Allele origin: germline.

Department of Pathology and Laboratory Medicine, Sinai Health System
Classification: Pathogenic for Congenital myotonia, autosomal dominant form; Congenital myotonia, autosomal recessive form. Last evaluated: 2023-02-07. Review status: criteria provided, single submitter. Criteria: ACMG Guidelines, 2015. Collection method: research. Allele origin: germline.

Greenwood Genetic Center Diagnostic Laboratories, Greenwood Genetic Center
Classification: Pathogenic for CLCN1-related disorder. Last evaluated: 2022-08-07. Review status: criteria provided, single submitter. Criteria: ACMG Guidelines, 2015. Collection method: clinical testing. Allele origin: germline. Affected: yes.
Comment: PS3 PP3 PP1 PS4_Moderate PM3

Practice for Gait Abnormalities, David Pomarino, Competency Network Toe Walking C/o Practice Pomarino
Classification: Pathogenic for Tip-toe gait. Last evaluated: 2020-08-18. Review status: criteria provided, single submitter. Criteria: ACMG Guidelines, 2015. Collection method: clinical testing. Allele origin: unknown. Affected: yes.
Comment: Myopathy refers to diseases that affect skeletal Muscles. These diseases attack muscle fibers, making muscles weak. Inherited myopathies are often caused by inheriting an abnormal gene mutation from a parent that causes the disease. Symptoms of congenital myopathies usually start at birth or in early childhood, but may not appear until the teen years or even later in adulthood. Congenital myopathies are somewhat unique compared with other inherited myopathies, as weakness typically affects all muscles and is often not progressive. Symptoms are: Muscle weakness, most commonly of upper arms and shoulders and thighs, muscle cramps, stiffness and spasms, fatigue with exertion and lack of energy. Our patients all walk on tiptoe, so they show similar symptoms. When we genetically test them with our toe walking panel, we find that around 90 per cent of them have a genetic variant that explains their toe walking. These can be assigned, for example, to the area of myopathies (such as variants of the COL6A3 gene), the area of hereditary neuropathies (such as variants of the KMT2C gene) or the area of metabolic diseases (such as variants of the PYGM gene). In a smaller group of patients with almost identical symptoms, no abnormality is found in the genes of our panel, but spastic paraplegia can be detected. In another small group of our toe walkers, no abnormalities can be detected in the genes analysed in our toe walking panel, nor do they suffer from spastic paraplegia, as is also the case with healthy children. In contrast to these, however, they show a tiptoe gait. These patients suffer from infantile cerebral palsy, in which toe walking can also be observed.

Mayo Clinic Laboratories, Mayo Clinic
Classification: Pathogenic. Last evaluated: 2020-02-28. Review status: criteria provided, single submitter. Criteria: ACMG Guidelines, 2015. Collection method: clinical testing. Allele origin: germline. Observed: 1 variant allele.
Comment: PS3, PS4_moderate, PM3, PP1, PP3